The following is an entry in ClinVar:

NM_003242.6(TGFBR2):c.544G>A (p.Val182Ile)

Gene: TGFBR2 (transforming growth factor beta receptor 2; plus strand). Cytogenetic location: 3p24.1.
Variant type: single nucleotide variant.
Coding change: c.544G>A on transcript NM_003242.6 (MANE Select); coding-DNA position 544, G replaced by A.
Protein change: p.Val182Ile; replaces valine 182 with isoleucine.
Molecular consequence: missense variant. On other transcripts: intron variant (1).
Genome position (GRCh38, 1-based): chr3:30,671,727, G>A. VCF-style: chr3-30671727-G-A. GRCh37 (hg19) VCF-style: chr3-30713219-G-A.
Other names: c.544G>A (NM_003242.5); c.619G>A, p.Val207Ile (NM_001024847.3); c.727G>A, p.Val243Ile (NM_001407126.1); c.652G>A, p.Val218Ile (NM_001407127.1); c.571G>A, p.Val191Ile (NM_001407128.1); c.547G>A, p.Val183Ile (NM_001407129.1); c.544G>A, p.Val182Ile (NM_001407130.1); c.439G>A, p.Val147Ile (NM_001407132.1, NM_001407133.1, NM_001407134.1 and 2 more transcripts); and 3 more; short protein forms V147I, V182I, V183I, V191I, V207I, V218I, V243I, V62I.
Identifiers: ClinVar variation 3071052 (VCV003071052.2), dbSNP rs376358046, ClinGen allele CA049195.

ClinVar aggregate classification (germline): Uncertain significance. Review status: criteria provided, multiple submitters, no conflicts (2 of 4 stars). 2 submissions from 2 submitters: Uncertain significance (2). Last evaluated 2024-06-14.

Conditions:
Familial thoracic aortic aneurysm and aortic dissection (TAAD). Also called: Thoracic aortic aneurysms and dissections. Identifiers: Orphanet 91387, MedGen C4707243, MONDO:0019625.
Loeys-Dietz syndrome 2 (LDS2). Also called: TGFBR2-Related Loeys-Dietz Syndrome; AORTIC ANEURYSM, FAMILIAL THORACIC 3; MARFAN SYNDROME, TYPE II; Marfan syndrome, type 2 (formerly); Marfan Syndrome type 2; Marfan like connective tissue disorder. Identifiers: Orphanet 284973, Orphanet 558, MedGen C2674574, MONDO:0012427, OMIM 610168.

Allele frequency attached by ClinVar (database versions not stated): gnomAD exomes below 0.00001; ExAC 0.00001; TOPMed 0.00001; ESP Exome Variant Server 0.00008.
gnomAD v4.1: 1 of 1,614,188 alleles (0.000062%); highest among the groups gnomAD compares: Non-Finnish European, 0.000085%; no homozygotes.

Submissions (2):

Ambry Genetics
Classification: Uncertain significance for Familial thoracic aortic aneurysm and aortic dissection. Last evaluated: 2024-06-14. Review status: criteria provided, single submitter. Criteria: Ambry Variant Classification Scheme 2023. Collection method: clinical testing. Allele origin: germline.
Comment: The p.V182I variant (also known as c.544G>A), located in coding exon 4 of the TGFBR2 gene, results from a G to A substitution at nucleotide position 544. The valine at codon 182 is replaced by isoleucine, an amino acid with highly similar properties. This amino acid position is conserved. In addition, this alteration is predicted to be tolerated by in silico analysis. Based on the available evidence, the clinical significance of this variant remains unclear.

All of Us Research Program, National Institutes of Health
Classification: Uncertain significance for Loeys-Dietz syndrome 2. Last evaluated: 2023-05-16. Review status: criteria provided, single submitter. Criteria: ACMG Guidelines, 2015. Collection method: clinical testing. Allele origin: germline. Inheritance: Autosomal dominant inheritance. Observed: 1 variant allele, 1 heterozygote.
Comment: This missense variant replaces valine with isoleucine at codon 182 of the TGFBR2 protein. Computational prediction suggests that this variant may not impact protein structure and function (internally defined REVEL score threshold <= 0.5, PMID: 27666373). To our knowledge, functional studies have not been reported for this variant. This variant has not been reported in individuals affected with TGFBR2-related disorders in the literature. This variant has been identified in 1/251256 chromosomes in the general population by the Genome Aggregation Database (gnomAD). The available evidence is insufficient to determine the role of this variant in disease conclusively. Therefore, this variant is classified as a Variant of Uncertain Significance.

This study involves interpretation of variants in research participants for the purpose of population health screening. Participant phenotype was not available at the time of variant classification. Additional details can be found in publication PMID: 35346344, PMCID: PMC8962531